The following is an entry in ClinVar:

NM_000174.5(GP9):c.8_11dup (p.Trp4fs)

Gene: GP9 (glycoprotein IX platelet; plus strand). Cytogenetic location: 3q21.3.
Variant type: Microsatellite.
Coding change: c.8_11dup on transcript NM_000174.5 (MANE Select); coding-DNA positions 8 to 11, 4 bases duplicated (CCTG; older notation c.8_11dupCCTG).
Protein change: p.Trp4fs; shifts the reading frame from tryptophan 4.
Molecular consequence: frameshift variant, initiator codon variant.
Genome position (GRCh38, 1-based): chr3:129,061,747-129,061,750, CCTG duplicated; duplicating any 4 consecutive bases within chr3:129,061,741-129,061,750 gives the same sequence; the c. name uses the placement nearest the transcript's 3' end. VCF-style (leftmost placement, unchanged base first): chr3-129061740-A-ATGCC. GRCh37 (hg19) VCF-style: chr3-128780583-A-ATGCC.
Other names: c.4_7CCTG[3], p.Trp4Cysfs (NM_000174.4); c.8_11dupCCTG (NM_000174.4); short protein forms W4fs.
Identifiers: ClinVar variation 2573379 (VCV002573379.2), dbSNP rs2529776939, ClinGen allele CA2580616532.

ClinVar aggregate classification (germline): Pathogenic (1 of 4 stars; one submission).

Conditions:
Bernard Soulier syndrome (BSS). Also called: GLYCOPROTEIN Ib, PLATELET, DEFICIENCY OF; PLATELET GLYCOPROTEIN Ib DEFICIENCY; VON WILLEBRAND FACTOR RECEPTOR DEFICIENCY; Giant platelet syndrome; Hemorrhagiparous thrombocytic dystrophy; Giant platelet disease. Identifiers: Orphanet 274, MedGen C0005129, MeSH D001606, MONDO:0009276, OMIM 231200.

Submission:

Women's Health and Genetics/Laboratory Corporation of America, LabCorp
Classification: Pathogenic for Bernard Soulier syndrome. Last evaluated: 2023-06-05. Review status: criteria provided, single submitter. Criteria: LabCorp Variant Classification Summary - May 2015. Collection method: clinical testing. Allele origin: germline.
Comment: Variant summary: GP9 c.8_11dupCCTG (p.Trp4CysfsX70) results in a premature termination codon, predicted to cause a truncation of the encoded protein, which is a commonly known mechanism for disease. While the variant is not expected to result in nonsense-mediated decay, it is expected to disrupt the last 173 amino acids of the protein. Variants downstream of this position have been classified as pathogenic by our laboratory. The variant was absent in 240980 control chromosomes (gnomAD v2.1). To our knowledge, no occurrence of c.8_11dupCCTG in individuals affected with Bernard Soulier Syndrome and no experimental evidence demonstrating its impact on protein function have been reported. No clinical diagnostic laboratories have submitted clinical-significance assessments for this variant to ClinVar after 2014. Based on the evidence outlined above, the variant was classified as pathogenic.